The following is an entry in ClinVar:

NM_172362.3(KCNH1):c.728C>T (p.Thr243Ile)

Gene: KCNH1 (potassium voltage-gated channel subfamily H member 1; minus strand). Cytogenetic location: 1q32.2.
Variant type: single nucleotide variant.
Coding change: c.728C>T on transcript NM_172362.3 (MANE Select); coding-DNA position 728, C replaced by T.
Protein change: p.Thr243Ile; replaces threonine 243 with isoleucine.
Molecular consequence: missense variant.
Genome position (GRCh38, 1-based): chr1:211,019,087, G>A on the plus strand (C>T on the coding strand, the complement: KCNH1 is on the minus strand). VCF-style: chr1-211019087-G-A. GRCh37 (hg19) VCF-style: chr1-211192429-G-A.
Other names: c.728C>T, p.Thr243Ile (NM_002238.4); short protein forms T243I.
Identifiers: ClinVar variation 3633737 (VCV003633737.2).

ClinVar aggregate classification (germline): Uncertain significance (1 of 4 stars; one submission).

Submission:

Labcorp Genetics (formerly Invitae), Labcorp
Classification: Uncertain significance. Last evaluated: 2024-10-24. Review status: criteria provided, single submitter. Criteria: Invitae Variant Classification Sherloc (09022015). Collection method: clinical testing. Allele origin: germline.
Comment: This sequence change replaces threonine, which is neutral and polar, with isoleucine, which is neutral and non-polar, at codon 243 of the KCNH1 protein (p.Thr243Ile). This variant is not present in population databases (gnomAD no frequency). This variant has not been reported in the literature in individuals affected with KCNH1-related conditions. Invitae Evidence Modeling of protein sequence and biophysical properties (such as structural, functional, and spatial information, amino acid conservation, physicochemical variation, residue mobility, and thermodynamic stability) has been performed for this missense variant. However, the output from this modeling did not meet the statistical confidence thresholds required to predict the impact of this variant on KCNH1 protein function. In summary, the available evidence is currently insufficient to determine the role of this variant in disease. Therefore, it has been classified as a Variant of Uncertain Significance.